The following is an entry in ClinVar:

NM_000238.4(KCNH2):c.2567dup (p.Glu857fs)

Gene: KCNH2 (potassium voltage-gated channel subfamily H member 2; minus strand). Cytogenetic location: 7q36.1.
Variant type: Duplication.
Coding change: c.2567dup on transcript NM_000238.4 (MANE Select); coding-DNA position 2567, one base duplicated (T; older notation c.2567dupT).
Protein change: p.Glu857fs; shifts the reading frame from glutamic acid 857.
Molecular consequence: frameshift variant.
Genome position (GRCh38, 1-based): chr7:150,948,881, A duplicated on the plus strand (T on the coding strand, the reverse complement: KCNH2 is on the minus strand). VCF-style (leftmost placement, unchanged base first): chr7-150948880-C-CA. GRCh37 (hg19) VCF-style: chr7-150645968-C-CA.
Other names: c.2279dup, p.Glu761Glyfs (NM_001406753.1); c.1547dup, p.Glu517fs (NM_172057.3); c.2567dupT (NM_000238.3); short protein forms E857fs, E517fs.
Identifiers: ClinVar variation 1793177 (VCV001793177.2), dbSNP rs2486014906, ClinGen allele CA2580077784.

ClinVar aggregate classification (germline): Pathogenic (1 of 4 stars; one submission).

Conditions:
Cardiovascular phenotype. Identifiers: MedGen CN230736.

Submission:

Ambry Genetics
Classification: Pathogenic for Cardiovascular phenotype. Last evaluated: 2019-05-08. Review status: criteria provided, single submitter. Criteria: Ambry Variant Classification Scheme 2023. Collection method: clinical testing. Allele origin: germline.
Comment: The c.2567dupT pathogenic mutation, located in coding exon 10 of the KCNH2 gene, results from a duplication of T at nucleotide position 2567, causing a translational frameshift with a predicted alternate stop codon (p.E857Gfs*63). This alteration is expected to result in loss of function by premature protein truncation or nonsense-mediated mRNA decay. As such, this alteration is interpreted as a disease-causing mutation.